The following is an entry in ClinVar:

ClinVar aggregate classification (germline): Likely benign. Review status: criteria provided, multiple submitters, no conflicts (2 of 4 stars). 2 submissions from 2 submitters: Likely benign (2). Last evaluated 2024-02-17.

Conditions:
Intellectual developmental disorder, autosomal dominant 6, with or without seizures. Also called: GRIN2B-related developmental delay, intellectual disability and autism spectrum disorder; Intellectual disability, autosomal dominant 6. Identifiers: Orphanet 589547, MedGen C3151411, MONDO:0013509, OMIM 613970.
Developmental and epileptic encephalopathy, 27 (DEE27). Also called: Epileptic encephalopathy, early infantile, 27; GRIN2B-Related Neurodevelopmental Disorder. Identifiers: Orphanet 3451, MedGen C4015316, MONDO:0014505, OMIM 616139.

Allele frequency attached by ClinVar (database versions not stated): gnomAD exomes below 0.00001.
gnomAD v4.1: 1 of 1,613,822 alleles (0.000062%); highest among the groups gnomAD compares: African/African-American, 0.0013%; no homozygotes.

Submissions (2):

Labcorp Genetics (formerly Invitae), Labcorp
Classification: Likely benign for Developmental and epileptic encephalopathy, 27; Intellectual developmental disorder, autosomal dominant 6, with or without seizures. Last evaluated: 2024-02-17. Review status: criteria provided, single submitter. Criteria: Invitae Variant Classification Sherloc (09022015). Collection method: clinical testing. Allele origin: germline.

GeneDx
Classification: Likely benign. Last evaluated: 2016-08-12. Review status: criteria provided, single submitter. Criteria: GeneDx Variant Classification (06012015). Collection method: clinical testing. Allele origin: germline. Affected: yes.
Comment: This variant is considered likely benign or benign based on one or more of the following criteria: it is a conservative change, it occurs at a poorly conserved position in the protein, it is predicted to be benign by multiple in silico algorithms, and/or has population frequency not consistent with disease.

NM_000834.5(GRIN2B):c.540G>A (p.Gln180=)

Gene: GRIN2B (glutamate ionotropic receptor NMDA type subunit 2B; minus strand). Cytogenetic location: 12p13.1.
Variant type: single nucleotide variant.
Coding change: c.540G>A on transcript NM_000834.5 (MANE Select); coding-DNA position 540, G replaced by A.
Protein change: p.Gln180=; no amino-acid change (glutamine 180 retained).
Molecular consequence: synonymous variant.
Genome position (GRCh38, 1-based): chr12:13,753,787, C>T on the plus strand (G>A on the coding strand, the complement: GRIN2B is on the minus strand). VCF-style: chr12-13753787-C-T. GRCh37 (hg19) VCF-style: chr12-13906721-C-T.
Identifiers: ClinVar variation 388435 (VCV000388435.7), dbSNP rs1057523105, ClinGen allele CA16606563.